The following is an entry in ClinVar:

ClinVar aggregate classification (germline): Conflicting classifications of pathogenicity. Review status: criteria provided, conflicting classifications (1 of 4 stars). 7 submissions from 7 submitters: Uncertain significance (5); Likely benign (2). Last evaluated 2025-11-04.

Conditions:
Hereditary cancer-predisposing syndrome. Also called: Neoplastic Syndromes, Hereditary; Tumor predisposition; Hereditary Cancer Syndrome; Hereditary neoplastic syndrome. Identifiers: Orphanet 140162, MedGen C0027672, MeSH D009386, MONDO:0015356.
Familial adenomatous polyposis 1 (FAP1). Also called: FAMILIAL ADENOMATOUS POLYPOSIS 1, ATTENUATED; POLYPOSIS, ADENOMATOUS INTESTINAL. Identifiers: MedGen C2713442, MONDO:0021056, OMIM 175100. Disease mechanism: loss of function.
Classic or attenuated familial adenomatous polyposis. Identifiers: MedGen CN372698, MONDO:0021057.

Allele frequency attached by ClinVar (database versions not stated): gnomAD below 0.00001 and 0.00001; gnomAD exomes below 0.00001 and 0.00001; ExAC 0.00001.
gnomAD v4.1: 5 of 1,614,036 alleles (0.00031%); highest among the groups gnomAD compares: South Asian, 0.0055%; no homozygotes.

Submissions (7):

Color Diagnostics, LLC DBA Color Health
Classification: Likely benign for Hereditary cancer-predisposing syndrome. Last evaluated: 2025-11-04. Review status: criteria provided, single submitter. Criteria: ACMG Guidelines, 2015. Collection method: clinical testing. Allele origin: germline.

Labcorp Genetics (formerly Invitae), Labcorp
Classification: Uncertain significance for Familial adenomatous polyposis 1. Last evaluated: 2025-06-19. Review status: criteria provided, single submitter. Criteria: Invitae Variant Classification Sherloc (09022015). Collection method: clinical testing. Allele origin: germline.
Comment: This sequence change replaces serine, which is neutral and polar, with proline, which is neutral and non-polar, at codon 102 of the APC protein (p.Ser102Pro). This variant is present in population databases (rs753302494, gnomAD 0.006%). This variant has not been reported in the literature in individuals affected with APC-related conditions. ClinVar contains an entry for this variant (Variation ID: 482497). Invitae Evidence Modeling of protein sequence and biophysical properties (such as structural, functional, and spatial information, amino acid conservation, physicochemical variation, residue mobility, and thermodynamic stability) indicates that this missense variant is not expected to disrupt APC protein function with a negative predictive value of 95%. In summary, the available evidence is currently insufficient to determine the role of this variant in disease. Therefore, it has been classified as a Variant of Uncertain Significance.

All of Us Research Program, National Institutes of Health
Classification: Uncertain significance for Classic or attenuated familial adenomatous polyposis. Last evaluated: 2024-08-06. Review status: criteria provided, single submitter. Criteria: ACMG Guidelines, 2015. Collection method: clinical testing. Allele origin: germline. Inheritance: Autosomal dominant inheritance. Observed: 1 variant allele, 1 heterozygote.
Comment: This missense variant replaces serine with proline at codon 102 of the APC protein. Computational prediction suggests that this variant may not impact protein structure and function (internally defined REVEL score threshold <= 0.5, PMID: 27666373). To our knowledge, functional studies have not been reported for this variant. This variant has not been reported in individuals affected with hereditary cancer in the literature. This variant has been identified in 2/251466 chromosomes in the general population by the Genome Aggregation Database (gnomAD). The available evidence is insufficient to determine the role of this variant in disease conclusively. Therefore, this variant is classified as a Variant of Uncertain Significance.

This study involves interpretation of variants in research participants for the purpose of population health screening. Participant phenotype was not available at the time of variant classification. Additional details can be found in publication PMID: 35346344, PMCID: PMC8962531

Baylor Genetics
Classification: Uncertain significance for Familial adenomatous polyposis 1. Last evaluated: 2023-07-11. Review status: criteria provided, single submitter. Criteria: ACMG Guidelines, 2015. Collection method: clinical testing. Allele origin: unknown.

Quest Diagnostics Nichols Institute San Juan Capistrano
Classification: Uncertain significance. Last evaluated: 2023-06-09. Review status: criteria provided, single submitter. Criteria: Quest Diagnostics criteria. Collection method: clinical testing. Allele origin: unknown.
Comment: To the best of our knowledge, this variant has not been reported in the published literature. The frequency of this variant in the general population, 0.000008 (2/251466 chromosomes (Genome Aggregation Database)), is uninformative in the assessment of its pathogenicity. Analysis of this variant using bioinformatics tools for the prediction of the effect of amino acid changes on protein structure and function yielded predictions that this variant is damaging. Based on the available information, we are unable to determine the clinical significance of this variant.

Ambry Genetics
Classification: Likely benign for Hereditary cancer-predisposing syndrome. Last evaluated: 2023-02-27. Review status: criteria provided, single submitter. Criteria: Ambry Variant Classification Scheme 2023. Collection method: clinical testing. Allele origin: germline.

Sema4
Classification: Uncertain significance for Hereditary cancer-predisposing syndrome. Last evaluated: 2021-11-30. Review status: criteria provided, single submitter. Criteria: Sema4 Curation Guidelines. Collection method: curation. Allele origin: germline.
Comment: The APC c.304T>C (p.S102P) variant has not been reported in the literature to our knowledge. It was observed in 2/30616 chromosomes of the South Asian subpopulation in the large and broad cohorts of the Genome Aggregation Database (PMID: 32461654). This variant has been reported in ClinVar (Variation ID: 482497). Functional studies have not been performed, and in silico predictions of the variant's effect on protein function are inconclusive. The evidence is insufficient to meet ACMG/AMP criteria for classifying the variant as benign or pathogenic. Thus, the clinical significance of this variant is currently uncertain.

NM_000038.6(APC):c.304T>C (p.Ser102Pro)

Gene: APC (APC regulator of Wnt signaling pathway; plus strand). Cytogenetic location: 5q22.2.
Variant type: single nucleotide variant.
Coding change: c.304T>C on transcript NM_000038.6 (MANE Select); coding-DNA position 304, T replaced by C.
Protein change: p.Ser102Pro; replaces serine 102 with proline.
Molecular consequence: missense variant. On other transcripts: 5 prime UTR variant (1).
Genome position (GRCh38, 1-based): chr5:112,767,272, T>C. VCF-style: chr5-112767272-T-C. GRCh37 (hg19) VCF-style: chr5-112102969-T-C.
Other names: c.304T>C, p.Ser102Pro (NM_001127510.3, NM_001354895.2, NM_001354896.2 and 2 more transcripts); c.334T>C, p.Ser112Pro (NM_001127511.3, NM_001354897.2, NM_001354902.2); c.229T>C, p.Ser77Pro (NM_001354898.2, NM_001354904.2); c.127T>C, p.Ser43Pro (NM_001354900.2, NM_001354901.2, NM_001354905.2); c.-732T>C (NM_001354906.2); short protein forms S102P, S112P, S77P, S43P.
Identifiers: ClinVar variation 482497 (VCV000482497.24), dbSNP rs753302494, ClinGen allele CA034347.